The following is an entry in ClinVar:

NM_207346.3(TSEN54):c.914A>G (p.Asn305Ser)

Gene: TSEN54 (tRNA splicing endonuclease subunit 54; plus strand). Cytogenetic location: 17q25.1.
Variant type: single nucleotide variant.
Coding change: c.914A>G on transcript NM_207346.3 (MANE Select); coding-DNA position 914, A replaced by G.
Protein change: p.Asn305Ser; replaces asparagine 305 with serine.
Molecular consequence: missense variant.
Genome position (GRCh38, 1-based): chr17:75,521,995, A>G. VCF-style: chr17-75521995-A-G. GRCh37 (hg19) VCF-style: chr17-73518076-A-G.
Other names: short protein forms N305S.
Identifiers: ClinVar variation 198937 (VCV000198937.12), dbSNP rs776796485, ClinGen allele CA247853.

ClinVar aggregate classification (germline): Uncertain significance. Review status: criteria provided, multiple submitters, no conflicts (2 of 4 stars). 4 submissions from 4 submitters: Uncertain significance (4). Last evaluated 2024-10-23.

Conditions:
Inborn genetic diseases. Identifiers: MedGen C0950123, MeSH D030342.

Allele frequency attached by ClinVar (database versions not stated): gnomAD exomes below 0.00001 and 0.00002; ExAC 0.00001; TOPMed 0.00001.
gnomAD v4.1: 7 of 1,602,192 alleles (0.00044%); highest among the groups gnomAD compares: East Asian, 0.0091%; no homozygotes.

Submissions (4):

Labcorp Genetics (formerly Invitae), Labcorp
Classification: Uncertain significance. Last evaluated: 2024-10-23. Review status: criteria provided, single submitter. Criteria: Invitae Variant Classification Sherloc (09022015). Collection method: clinical testing. Allele origin: germline.
Comment: This sequence change replaces asparagine, which is neutral and polar, with serine, which is neutral and polar, at codon 305 of the TSEN54 protein (p.Asn305Ser). This variant is present in population databases (rs776796485, gnomAD 0.02%). This variant has not been reported in the literature in individuals affected with TSEN54-related conditions. ClinVar contains an entry for this variant (Variation ID: 198937). Invitae Evidence Modeling of protein sequence and biophysical properties (such as structural, functional, and spatial information, amino acid conservation, physicochemical variation, residue mobility, and thermodynamic stability) has been performed for this missense variant. However, the output from this modeling did not meet the statistical confidence thresholds required to predict the impact of this variant on TSEN54 protein function. Algorithms developed to predict the effect of sequence changes on RNA splicing suggest that this variant may create or strengthen a splice site. In summary, the available evidence is currently insufficient to determine the role of this variant in disease. Therefore, it has been classified as a Variant of Uncertain Significance.

Ambry Genetics
Classification: Uncertain significance for Inborn genetic diseases. Last evaluated: 2020-12-10. Review status: criteria provided, single submitter. Criteria: Ambry Variant Classification Scheme 2023. Collection method: clinical testing. Allele origin: germline.
Comment: The c.914A>G (p.N305S) alteration is located in exon 8 (coding exon 8) of the TSEN54 gene. This alteration results from a A to G substitution at nucleotide position 914, causing the asparagine (N) at amino acid position 305 to be replaced by a serine (S). The p.N305S alteration is predicted to be tolerated by in silico analysis. Based on insufficient or conflicting evidence, the clinical significance of this alteration remains unclear.

GeneDx
Classification: Uncertain significance. Last evaluated: 2017-01-26. Review status: criteria provided, single submitter. Criteria: GeneDx Variant Classification (06012015). Collection method: clinical testing. Allele origin: germline. Affected: yes.
Comment: A variant of uncertain significance has been identified in the TSEN54 gene. The N305S variant has not been published as a pathogenic variant, nor has it been reported as a benign variant to our knowledge. The N305S variant is not observed at a significant frequency in large population cohorts (Lek et al., 2016; 1000 Genomes Consortium et al., 2015; Exome Variant Server). This substitution occurs at a position that is conserved in mammals. However, the N305S variant is a conservative amino acid substitution, which is not likely to impact secondary protein structure as these residues share similar properties. In silico analysis is inconsistent in its predictions as to whether or not the variant is damaging to the protein structure/function. Therefore, based on the currently available information, it is unclear whether this variant is a pathogenic variant or a rare benign variant.

Eurofins Ntd Llc (ga)
Classification: Uncertain significance. Last evaluated: 2014-08-22. Review status: criteria provided, single submitter. Criteria: EGL Classification Definitions 2015. Collection method: clinical testing. Allele origin: germline. Observed: 2 variant alleles, 2 heterozygotes.